The following is an entry in ClinVar:

ClinVar aggregate classification (germline): Uncertain significance (1 of 4 stars; one submission).

Conditions:
Brugada syndrome 8 (BRGDA8). Identifiers: Orphanet 130, MedGen C2751083, MONDO:0013148, OMIM 613123.

Submission:

Labcorp Genetics (formerly Invitae), Labcorp
Classification: Uncertain significance for Brugada syndrome 8. Last evaluated: 2026-01-27. Review status: criteria provided, single submitter. Criteria: Invitae Variant Classification Sherloc (09022015). Collection method: clinical testing. Allele origin: germline.
Comment: This sequence change replaces proline, which is neutral and non-polar, with serine, which is neutral and polar, at codon 1094 of the HCN4 protein (p.Pro1094Ser). This variant is not present in population databases (gnomAD no frequency). This variant has not been reported in the literature in individuals affected with HCN4-related conditions. Invitae Evidence Modeling of protein sequence and biophysical properties (such as structural, functional, and spatial information, amino acid conservation, physicochemical variation, residue mobility, and thermodynamic stability) indicates that this missense variant is not expected to disrupt HCN4 protein function with a negative predictive value of 95%. In summary, the available evidence is currently insufficient to determine the role of this variant in disease. Therefore, it has been classified as a Variant of Uncertain Significance.

NM_005477.3(HCN4):c.3280C>T (p.Pro1094Ser)

Gene: HCN4 (hyperpolarization activated cyclic nucleotide gated potassium channel 4; minus strand). Cytogenetic location: 15q24.1.
Variant type: single nucleotide variant.
Coding change: c.3280C>T on transcript NM_005477.3 (MANE Select); coding-DNA position 3280, C replaced by T.
Protein change: p.Pro1094Ser; replaces proline 1094 with serine.
Molecular consequence: missense variant.
Genome position (GRCh38, 1-based): chr15:73,322,813, G>A on the plus strand (C>T on the coding strand, the complement: HCN4 is on the minus strand). VCF-style: chr15-73322813-G-A. GRCh37 (hg19) VCF-style: chr15-73615154-G-A.
Other names: short protein forms P1094S.
Identifiers: ClinVar variation 4802396 (VCV004802396.1).